The following is an entry in ClinVar:

NM_001042492.3(NF1):c.2586C>T (p.Thr862=)

Gene: NF1 (neurofibromin 1; plus strand). Cytogenetic location: 17q11.2.
Variant type: single nucleotide variant.
Coding change: c.2586C>T on transcript NM_001042492.3 (MANE Select); coding-DNA position 2586, C replaced by T.
Protein change: p.Thr862=; no amino-acid change (threonine 862 retained).
Molecular consequence: synonymous variant.
Genome position (GRCh38, 1-based): chr17:31,229,201, C>T. VCF-style: chr17-31229201-C-T. GRCh37 (hg19) VCF-style: chr17-29556219-C-T.
Other names: c.2586C>T, p.Thr862= (NM_000267.4).
Identifiers: ClinVar variation 1119788 (VCV001119788.9), dbSNP rs1567848941, ClinGen allele CA499444381.

ClinVar aggregate classification (germline): Benign/Likely benign. Review status: criteria provided, multiple submitters, no conflicts (2 of 4 stars). 3 submissions from 3 submitters: Benign (1); Likely benign (2). Last evaluated 2026-05-18.

Conditions:
Juvenile myelomonocytic leukemia (JMML). Also called: LEUKEMIA, JUVENILE MYELOMONOCYTIC, SOMATIC. Identifiers: Orphanet 86834, MedGen C0349639, MONDO:0011908, OMIM 607785, HP:0012209.
Neurofibromatosis-Noonan syndrome (NFNS). Also called: NEUROFIBROMATOSIS WITH NOONAN PHENOTYPE. Identifiers: Orphanet 638, MedGen C2931482, MONDO:0011035, OMIM 601321. Disease mechanism: loss of function.
Café-au-lait macules with pulmonary stenosis (WTSN). Also called: PULMONIC STENOSIS WITH CAFE-AU-LAIT SPOTS. Identifiers: MedGen C0553586, MONDO:0008672, OMIM 193520.
Neurofibromatosis, familial spinal (FSNF). Identifiers: Orphanet 636, MedGen C1834235, MONDO:0008078, OMIM 162210. Disease mechanism: loss of function.
Neurofibromatosis, type 1 (NF1). Also called: Peripheral type neurofibromatosis; NEUROFIBROMATOSIS, TYPE I, SOMATIC; VON RECKLINGHAUSEN DISEASE; Neurofibromatosis, type I. Identifiers: Orphanet 636, MedGen C0027831, MONDO:0018975, OMIM 162200. Disease mechanism: loss of function.

Allele frequency attached by ClinVar (database versions not stated): gnomAD exomes below 0.00001.
gnomAD v4.1: 1 of 1,612,010 alleles (0.000062%); highest among the groups gnomAD compares: Non-Finnish European, 0.000085%; no homozygotes.

Submissions (3):

Myriad Genetics, Inc.
Classification: Benign for Neurofibromatosis, type 1. Last evaluated: 2026-05-18. Review status: criteria provided, single submitter. Criteria: Myriad Autosomal Dominant, Autosomal Recessive and X-Linked Classification Criteria (2023). Collection method: clinical testing. Allele origin: unknown.
Comment: This variant is considered benign. This variant is a silent/synonymous amino acid change and it is not expected to impact splicing.

Labcorp Genetics (formerly Invitae), Labcorp
Classification: Likely benign for Neurofibromatosis, type 1. Last evaluated: 2025-03-09. Review status: criteria provided, single submitter. Criteria: Invitae Variant Classification Sherloc (09022015). Collection method: clinical testing. Allele origin: germline.

Fulgent Genetics
Classification: Likely benign for Neurofibromatosis, type 1; Neurofibromatosis, familial spinal; Café-au-lait macules with pulmonary stenosis; Neurofibromatosis-Noonan syndrome; Juvenile myelomonocytic leukemia. Last evaluated: 2021-12-30. Review status: criteria provided, single submitter. Criteria: ACMG Guidelines, 2015. Collection method: clinical testing. Allele origin: unknown.